The following is an entry in ClinVar:

ClinVar aggregate classification (germline): Likely pathogenic. Review status: criteria provided, multiple submitters, no conflicts (2 of 4 stars). 3 submissions from 3 submitters: Likely pathogenic (2). 1 of the submissions does not count toward it. Last evaluated 2025-01-27.

Conditions:
Severe X-linked myotubular myopathy (CNMX). Also called: Myotubular myopathy, X-linked; MYOTUBULAR MYOPATHY 1; X-linked centronuclear myopathy. Identifiers: Orphanet 596, MedGen C0410203, MONDO:0010683, OMIM 310400.

Submissions (3):

Natera, Inc.
Classification: Likely pathogenic for Severe X-linked myotubular myopathy. Last evaluated: 2025-01-27. Review status: criteria provided, single submitter. Criteria: Natera Variant Classification Schema (03/2026). Collection method: clinical testing. Allele origin: germline.
Comment: The c.469G>A variant in MTM1 is a missense variant predicted to cause substitution of glutamic acid to lysine at amino acid 157. This variant is rare in the general population with a frequency below the threshold expected for the associated phenotype(s). This variant has been observed in affected individual(s) with monoallelic occurrence (heterozygous/hemizygous) (PMID: 12859411). Additionally, this variant has been observed to segregate in affected family members (PMID: 12859411). This variant has been identified in one or more affected individual with a phenotype highly consistent with the associated gene (PMID: 12859411). Computational prediction algorithms indicate this variant is likely to affect gene or protein function. Given the available evidence, this variant is classified as Likely Pathogenic.

GeneDx
Classification: Likely pathogenic. Last evaluated: 2024-02-06. Review status: criteria provided, single submitter. Criteria: GeneDx Variant Classification Process June 2021. Collection method: clinical testing. Allele origin: germline. Affected: yes.
Comment: Not observed at significant frequency in large population cohorts (gnomAD); In silico analysis supports that this missense variant has a deleterious effect on protein structure/function; This variant is associated with the following publications: (PMID: 25525159, 30047259, 20682747, 12522554, 27538056, 34011573, 10726846, 12859411)

OMIM
Classification: Pathogenic for MYOTUBULAR MYOPATHY, X-LINKED. Last evaluated: 2003-08-01. Review status: no assertion criteria provided. Collection method: literature only. Allele origin: germline. Not counted in ClinVar's aggregate classification.

Literature cited by the submitters: PubMed 12859411 (cited by Natera, Inc. and OMIM); PubMed 10726846 (cited by OMIM); PubMed 12522554 (cited by OMIM).

NM_000252.3(MTM1):c.469G>A (p.Glu157Lys)

Gene: MTM1 (myotubularin 1; plus strand). Cytogenetic location: Xq28.
Variant type: single nucleotide variant.
Coding change: c.469G>A on transcript NM_000252.3 (MANE Select); coding-DNA position 469, G replaced by A.
Protein change: p.Glu157Lys; replaces glutamic acid 157 with lysine.
Molecular consequence: missense variant.
Genome position (GRCh38, 1-based): chrX:150,638,967, G>A. VCF-style: chrX-150638967-G-A. GRCh37 (hg19) VCF-style: chrX-149807440-G-A.
Other names: c.469G>A, p.Glu157Lys (NM_001376906.1, NM_001376908.1); c.358G>A, p.Glu120Lys (NM_001376907.1); c.469G>A (NM_000252.2); short protein forms E157K, E120K.
Identifiers: ClinVar variation 11062 (VCV000011062.4), dbSNP rs132630307, ClinGen allele CA255676.
Genomic context (GRCh38, chrX:150,638,967, plus strand): 5'-TCACGCTGAACTTTATTTATTTTTTGCCTTTTCTAGCCATTATTTGCATTTTTAAATGAA[G>A]AAAAGTTTAACGTGGATGGATGGACAGTTTACAATCCAGTGGAAGAATACAGGAGGCAGG-3'
Protein context (NP_000243.1, residues 147-167): SLPLFAFLNE[Glu157Lys]KFNVDGWTVY